The following is an entry in ClinVar:

ClinVar aggregate classification (germline): Uncertain significance. Review status: criteria provided, multiple submitters, no conflicts (2 of 4 stars). 3 submissions from 3 submitters: Uncertain significance (3). Last evaluated 2023-12-18.

Conditions:
Inborn genetic diseases. Identifiers: MedGen C0950123, MeSH D030342.

Allele frequency attached by ClinVar (database versions not stated): gnomAD 0.00001; gnomAD exomes 0.00001; TOPMed 0.00002.
gnomAD v4.1: 7 of 1,609,584 alleles (0.00043%); highest among the groups gnomAD compares: African/African-American, 0.004%; no homozygotes.

Submissions (3):

Ambry Genetics
Classification: Uncertain significance for Inborn genetic diseases. Last evaluated: 2023-12-18. Review status: criteria provided, single submitter. Criteria: Ambry Variant Classification Scheme 2023. Collection method: clinical testing. Allele origin: germline.

Blueprint Genetics
Classification: Uncertain significance. Last evaluated: 2023-07-05. Review status: criteria provided, single submitter. Criteria: ACMG Guidelines, 2015. Collection method: clinical testing. Allele origin: germline.

Labcorp Genetics (formerly Invitae), Labcorp
Classification: Uncertain significance. Last evaluated: 2022-04-05. Review status: criteria provided, single submitter. Criteria: Invitae Variant Classification Sherloc (09022015). Collection method: clinical testing. Allele origin: germline.
Comment: In summary, the available evidence is currently insufficient to determine the role of this variant in disease. Therefore, it has been classified as a Variant of Uncertain Significance. Advanced modeling of protein sequence and biophysical properties (such as structural, functional, and spatial information, amino acid conservation, physicochemical variation, residue mobility, and thermodynamic stability) performed at Invitae indicates that this missense variant is not expected to disrupt KCNV2 protein function. This variant has not been reported in the literature in individuals affected with KCNV2-related conditions. The frequency data for this variant in the population databases is considered unreliable, as metrics indicate poor data quality at this position in the gnomAD database. This sequence change replaces arginine, which is basic and polar, with histidine, which is basic and polar, at codon 134 of the KCNV2 protein (p.Arg134His).

NM_133497.4(KCNV2):c.401G>A (p.Arg134His)

Gene: KCNV2 (potassium voltage-gated channel modifier subfamily V member 2; plus strand). Cytogenetic location: 9p24.2.
Variant type: single nucleotide variant.
Coding change: c.401G>A on transcript NM_133497.4 (MANE Select); coding-DNA position 401, G replaced by A.
Protein change: p.Arg134His; replaces arginine 134 with histidine.
Molecular consequence: missense variant.
Genome position (GRCh38, 1-based): chr9:2,718,140, G>A. VCF-style: chr9-2718140-G-A. GRCh37 (hg19) VCF-style: chr9-2718140-G-A.
Other names: c.401G>A (NM_133497.3); short protein forms R134H.
Identifiers: ClinVar variation 1410018 (VCV001410018.8), dbSNP rs1261691565, ClinGen allele CA372796840.